The following is an entry in ClinVar:

ClinVar aggregate classification (germline): Uncertain significance (1 of 4 stars; one submission).

Conditions:
COL4A3-related disorder. Also called: COL4A3-related condition; COL4A3-Related Disorders.

gnomAD v4.1: 15 of 1,613,936 alleles (0.00093%); highest among the groups gnomAD compares: Non-Finnish European, 0.0011%; no homozygotes.

Submission:

PreventionGenetics, part of Exact Sciences
Classification: Uncertain significance for COL4A3-related condition. Last evaluated: 2026-01-13. Review status: criteria provided, single submitter. Criteria: ACMG Guidelines, 2015. Collection method: clinical testing. Allele origin: germline.
Comment: The COL4A3 c.1360C>A variant is predicted to result in the amino acid substitution p.Pro454Thr. To our knowledge, this variant has not been reported in the literature. This variant is reported in 0.0018% of alleles in individuals of European (Non-Finnish) descent in gnomAD. At this time, the clinical significance of this variant is uncertain due to the absence of conclusive functional and genetic evidence.

NM_000091.5(COL4A3):c.1360C>A (p.Pro454Thr)

Genes: COL4A3 (collagen type IV alpha 3 chain; plus strand), MFF-DT (MFF divergent transcript; minus strand). Cytogenetic location: 2q36.3.
Variant type: single nucleotide variant.
Coding change: c.1360C>A on transcript NM_000091.5 (MANE Select); coding-DNA position 1360, C replaced by A.
Protein change: p.Pro454Thr; replaces proline 454 with threonine.
Molecular consequence: missense variant.
Genome position (GRCh38, 1-based): chr2:227,266,461, C>A. VCF-style: chr2-227266461-C-A. GRCh37 (hg19) VCF-style: chr2-228131177-C-A.
Other names: short protein forms P454T.
Identifiers: ClinVar variation 4981161 (VCV004981161.1).